The following is an entry in ClinVar:

NM_001194998.2(CEP152):c.1908+1G>T

Gene: CEP152 (centrosomal protein 152; minus strand). Cytogenetic location: 15q21.1.
Variant type: single nucleotide variant.
Coding change: c.1908+1G>T on transcript NM_001194998.2 (MANE Select); the canonical splice donor site of the intron after coding-DNA position 1908, G replaced by T.
Molecular consequence: splice donor variant.
Genome position (GRCh38, 1-based): chr15:48,768,955, C>A on the plus strand (G>T on the coding strand, the complement: CEP152 is on the minus strand). VCF-style: chr15-48768955-C-A. GRCh37 (hg19) VCF-style: chr15-49061152-C-A.
Other names: c.1908+1G>T (NM_014985.4, NM_001194998.1).
Identifiers: ClinVar variation 2505978 (VCV002505978.6), dbSNP rs748767202, ClinGen allele CA7548723.
Genomic context (GRCh38, chr15:48,768,955, plus strand): 5'-TCCTTTGTATTTAATGAGGAAATAAAAATTCTCATAAAATATAAAAAATATTTTTAATCA[C>A]CTGATTTTGTTGTTGTAAAACTTGAATTTCATTTTTAAGCAGCAGAATATCATCTCTGAC-3'

ClinVar aggregate classification (germline): Conflicting classifications of pathogenicity. Review status: criteria provided, conflicting classifications (1 of 4 stars). 4 submissions from 4 submitters: Likely pathogenic (3); Uncertain significance (1). Last evaluated 2025-12-15.

Conditions:
Seckel syndrome 5 (SCKL5). Identifiers: Orphanet 808, MedGen C3151187, MONDO:0013443, OMIM 613823.
Microcephaly 9, primary, autosomal recessive. Identifiers: Orphanet 2512, MedGen C3553886, MONDO:0013923, OMIM 614852.
CEP152-related disorder. Also called: CEP152-related disorders; CEP152-related condition. Identifiers: MedGen CN239248.

Allele frequency attached by ClinVar (database versions not stated): gnomAD exomes 0.00005 and 0.00012; TOPMed 0.00006; gnomAD 0.00009; ExAC 0.00015.
gnomAD v4.1: 169 of 1,504,824 alleles (0.011%); highest among the groups gnomAD compares: Non-Finnish European, 0.014%; no homozygotes.

Submissions (4):

PreventionGenetics, part of Exact Sciences
Classification: Uncertain significance for CEP152-related condition. Last evaluated: 2025-12-15. Review status: criteria provided, single submitter. Criteria: ACMG Guidelines, 2015. Collection method: clinical testing. Allele origin: germline.
Comment: The CEP152 c.1908+1G>T variant is predicted to disrupt the GT donor site and interfere with normal splicing. This variant is predicted to result in an in-frame transcript. This variant was reported in the compound heterozygous state with a CEP152 missense variant in an individual in a large neuropediatric cohort (Patient Paed275 in Table S6, van der Ven et al. 2021. PubMed ID: 34490615). This variant is reported in 0.013% of alleles in individuals of European (non-Finnish) descent in gnomAD. Although we suspect that this variant may be pathogenic, at this time, the clinical significance of this variant is uncertain due to the absence of conclusive functional and genetic evidence.

Labcorp Genetics (formerly Invitae), Labcorp
Classification: Likely pathogenic. Last evaluated: 2025-11-16. Review status: criteria provided, single submitter. Criteria: Invitae Variant Classification Sherloc (09022015). Collection method: clinical testing. Allele origin: germline.
Comment: This sequence change affects a donor splice site in intron 14 of the CEP152 gene. It is expected to disrupt RNA splicing. Variants that disrupt the donor or acceptor splice site typically lead to a loss of protein function (PMID: 16199547), and loss-of-function variants in CEP152 are known to be pathogenic (PMID: 21131973). This variant is present in population databases (rs748767202, gnomAD 0.01%). This variant has not been reported in the literature in individuals affected with CEP152-related conditions. ClinVar contains an entry for this variant (Variation ID: 2505978). Algorithms developed to predict the effect of sequence changes on RNA splicing suggest that this variant may disrupt the consensus splice site. In summary, the currently available evidence indicates that the variant is pathogenic, but additional data are needed to prove that conclusively. Therefore, this variant has been classified as Likely Pathogenic.

Fulgent Genetics
Classification: Likely pathogenic for Seckel syndrome 5; Microcephaly 9, primary, autosomal recessive. Last evaluated: 2024-04-22. Review status: criteria provided, single submitter. Criteria: ACMG Guidelines, 2015. Collection method: clinical testing. Allele origin: germline.

GeneDx
Classification: Likely pathogenic. Last evaluated: 2022-12-14. Review status: criteria provided, single submitter. Criteria: GeneDx Variant Classification Process June 2021. Collection method: clinical testing. Allele origin: germline. Affected: yes.
Comment: Canonical splice site variant expected to result in aberrant splicing, although in the absence of functional evidence the actual effect of this sequence change is unknown.; Not observed at significant frequency in large population cohorts (gnomAD); Identified in a patient with motor delay and speech delay who also harbored a second variant in the CEP152 gene and a homozygous variant in the AIPL1 gene (van der Ven et al., 2021); This variant is associated with the following publications: (PMID: 34490615)

Literature cited by the submitters: PubMed 16199547 (cited by Labcorp Genetics (formerly Invitae), Labcorp); PubMed 21131973 (cited by Labcorp Genetics (formerly Invitae), Labcorp).